The following is an entry in ClinVar:

NM_000540.3(RYR1):c.9234G>T (p.Arg3078Ser)

Gene: RYR1 (ryanodine receptor 1; plus strand). Cytogenetic location: 19q13.2.
Variant type: single nucleotide variant.
Coding change: c.9234G>T on transcript NM_000540.3 (MANE Select); coding-DNA position 9234, G replaced by T.
Protein change: p.Arg3078Ser; replaces arginine 3078 with serine.
Molecular consequence: missense variant.
Genome position (GRCh38, 1-based): chr19:38,512,245, G>T. VCF-style: chr19-38512245-G-T. GRCh37 (hg19) VCF-style: chr19-39002885-G-T.
Other names: c.9234G>T, p.Arg3078Ser (NM_001042723.2); short protein forms R3078S.
Identifiers: ClinVar variation 1519365 (VCV001519365.8), dbSNP rs760538610, ClinGen allele CA405685998.
Genomic context (GRCh38, chr19:38,512,245, plus strand): 5'-AACCCCTGGTCTCCTAGACTCTCCGATTCCAGAGCTGATGTTCCCCCGCTGCCCTTCTAG[G>T]ACAGTGATGAAGTCAGGCCCTGAGATCGTGAAGGCTGGCCTCCGCTCCTTCTTCGAGAGT-3'
Protein context (NP_000531.2, residues 3068-3088): LHILARSLDA[Arg3078Ser]TVMKSGPEIV

ClinVar aggregate classification (germline): Uncertain significance (1 of 4 stars; one submission).

Conditions:
RYR1-related disorder. Also called: RYR1-related condition; RYR1-related disorders. Identifiers: MedGen CN239331.

Submission:

Labcorp Genetics (formerly Invitae), Labcorp
Classification: Uncertain significance for RYR1-related disorder. Last evaluated: 2022-06-20. Review status: criteria provided, single submitter. Criteria: Invitae Variant Classification Sherloc (09022015). Collection method: clinical testing. Allele origin: germline.
Comment: In summary, the available evidence is currently insufficient to determine the role of this variant in disease. Therefore, it has been classified as a Variant of Uncertain Significance. Algorithms developed to predict the effect of sequence changes on RNA splicing suggest that this variant may create or strengthen a splice site. This sequence change replaces arginine, which is basic and polar, with serine, which is neutral and polar, at codon 3078 of the RYR1 protein (p.Arg3078Ser). This variant is not present in population databases (gnomAD no frequency). This variant has not been reported in the literature in individuals affected with RYR1-related conditions. Algorithms developed to predict the effect of missense changes on protein structure and function are either unavailable or do not agree on the potential impact of this missense change (SIFT: "Deleterious"; PolyPhen-2: "Benign"; Align-GVGD: "Class C0").